The following is an entry in ClinVar:

NM_001288705.3(CSF1R):c.196A>G (p.Ser66Gly)

Gene: CSF1R (colony stimulating factor 1 receptor; minus strand). Cytogenetic location: 5q32.
Variant type: single nucleotide variant.
Coding change: c.196A>G on transcript NM_001288705.3 (MANE Select); coding-DNA position 196, A replaced by G.
Protein change: p.Ser66Gly; replaces serine 66 with glycine.
Molecular consequence: missense variant. On other transcripts: 5 prime UTR variant (1), non-coding transcript variant (2).
Genome position (GRCh38, 1-based): chr5:150,080,878, T>C on the plus strand (A>G on the coding strand, the complement: CSF1R is on the minus strand). VCF-style: chr5-150080878-T-C. GRCh37 (hg19) VCF-style: chr5-149460441-T-C.
Other names: p.Ser66Gly; c.196A>G, p.Ser66Gly (NM_001349736.2, NM_001375320.1, NM_005211.4); c.-249A>G (NM_001375321.1); c.196A>G (NM_005211.3); short protein forms S66G.
Identifiers: ClinVar variation 1484878 (VCV001484878.7), dbSNP rs760878957, ClinGen allele CA3507256.

ClinVar aggregate classification (germline): Conflicting classifications of pathogenicity. Review status: criteria provided, conflicting classifications (1 of 4 stars). 2 submissions from 2 submitters: Uncertain significance (1); Likely benign (1). Last evaluated 2025-06-11.

Allele frequency attached by ClinVar (database versions not stated): gnomAD 0.00001 and 0.00003; ExAC 0.00003; gnomAD exomes 0.00003; TOPMed 0.00003.

Submissions (2):

Mayo Clinic Laboratories, Mayo Clinic
Classification: Uncertain significance. Last evaluated: 2025-06-11. Review status: criteria provided, single submitter. Criteria: ACMG Guidelines, 2015. Collection method: clinical testing. Allele origin: germline. Observed: 1 variant allele.
Comment: BP4_moderate

Labcorp Genetics (formerly Invitae), Labcorp
Classification: Likely benign. Last evaluated: 2024-05-28. Review status: criteria provided, single submitter. Criteria: Invitae Variant Classification Sherloc (09022015). Collection method: clinical testing. Allele origin: germline.